The following is an entry in ClinVar:

NM_002047.4(GARS1):c.218A>T (p.Gln73Leu)

Gene: GARS1 (glycyl-tRNA synthetase 1; plus strand). Cytogenetic location: 7p14.3.
Variant type: single nucleotide variant.
Coding change: c.218A>T on transcript NM_002047.4 (MANE Select); coding-DNA position 218, A replaced by T.
Protein change: p.Gln73Leu; replaces glutamine 73 with leucine.
Molecular consequence: missense variant.
Genome position (GRCh38, 1-based): chr7:30,595,139, A>T. VCF-style: chr7-30595139-A-T. GRCh37 (hg19) VCF-style: chr7-30634755-A-T.
Other names: p.Gln73Leu; c.56A>T, p.Gln19Leu (NM_001316772.1); short protein forms Q73L, Q19L.
Identifiers: ClinVar variation 2185608 (VCV002185608.5), dbSNP rs1791218785, ClinGen allele CA367138771.

ClinVar aggregate classification (germline): Uncertain significance. Review status: criteria provided, multiple submitters, no conflicts (2 of 4 stars). 2 submissions from 2 submitters: Uncertain significance (2). Last evaluated 2024-02-14.

Conditions:
Charcot-Marie-Tooth disease type 2. Also called: Charcot-Marie-Tooth type 2. Identifiers: Orphanet 64746, MedGen C0270914, MONDO:0018993.

Allele frequency attached by ClinVar (database versions not stated): TOPMed below 0.00001.

Submissions (2):

Mayo Clinic Laboratories, Mayo Clinic
Classification: Uncertain significance. Last evaluated: 2024-02-14. Review status: criteria provided, single submitter. Criteria: ACMG Guidelines, 2015. Collection method: clinical testing. Allele origin: germline. Observed: 1 variant allele.
Comment: BP4, PM2

Labcorp Genetics (formerly Invitae), Labcorp
Classification: Uncertain significance for Charcot-Marie-Tooth disease type 2. Last evaluated: 2022-06-24. Review status: criteria provided, single submitter. Criteria: Invitae Variant Classification Sherloc (09022015). Collection method: clinical testing. Allele origin: germline.
Comment: In summary, the available evidence is currently insufficient to determine the role of this variant in disease. Therefore, it has been classified as a Variant of Uncertain Significance. Algorithms developed to predict the effect of missense changes on protein structure and function are either unavailable or do not agree on the potential impact of this missense change (SIFT: "Deleterious"; PolyPhen-2: "Benign"; Align-GVGD: "Class C0"). This variant has not been reported in the literature in individuals affected with GARS-related conditions. This variant is not present in population databases (gnomAD no frequency). This sequence change replaces glutamine, which is neutral and polar, with leucine, which is neutral and non-polar, at codon 73 of the GARS protein (p.Gln73Leu).